The following is an entry in ClinVar:

NM_001625.4(AK2):c.605G>C (p.Arg202Thr)

Gene: AK2 (adenylate kinase 2; minus strand). Cytogenetic location: 1p35.1.
Variant type: single nucleotide variant.
Coding change: c.605G>C on transcript NM_001625.4 (MANE Select); coding-DNA position 605, G replaced by C.
Protein change: p.Arg202Thr; replaces arginine 202 with threonine.
Molecular consequence: missense variant. On other transcripts: 3 prime UTR variant (1), non-coding transcript variant (1).
Genome position (GRCh38, 1-based): chr1:33,013,296, C>G on the plus strand (G>C on the coding strand, the complement: AK2 is on the minus strand). VCF-style: chr1-33013296-C-G. GRCh37 (hg19) VCF-style: chr1-33478897-C-G.
Other names: c.581G>C, p.Arg194Thr (NM_001199199.3); c.461G>C, p.Arg154Thr (NM_001319139.3, NM_001319140.2); c.605G>C, p.Arg202Thr (NM_001319141.3, NM_013411.5); c.479G>C, p.Arg160Thr (NM_001319142.3); c.*108G>C (NM_001319143.2); short protein forms R154T, R160T, R194T, R202T.
Identifiers: ClinVar variation 1519453 (VCV001519453.8), dbSNP rs2124279468, ClinGen allele CA339699291.

ClinVar aggregate classification (germline): Uncertain significance (1 of 4 stars; one submission).

Conditions:
Reticular dysgenesis. Also called: ALEUKOCYTOSIS; CONGENITAL ALEUKIA; HEMATOPOIETIC HYPOPLASIA, GENERALIZED; RETICULAR DYSGENESIA; SEVERE COMBINED IMMUNODEFICIENCY WITH LEUKOPENIA; DeVaal disease. Identifiers: Orphanet 33355, MedGen C0272167, MONDO:0009973, OMIM 267500.

Submission:

Labcorp Genetics (formerly Invitae), Labcorp
Classification: Uncertain significance for Reticular dysgenesis. Last evaluated: 2021-04-02. Review status: criteria provided, single submitter. Criteria: Invitae Variant Classification Sherloc (09022015). Collection method: clinical testing. Allele origin: germline.
Comment: This sequence change replaces arginine with threonine at codon 202 of the AK2 protein (p.Arg202Thr). The arginine residue is weakly conserved and there is a moderate physicochemical difference between arginine and threonine. This variant is not present in population databases (ExAC no frequency). In summary, the available evidence is currently insufficient to determine the role of this variant in disease. Therefore, it has been classified as a Variant of Uncertain Significance. Algorithms developed to predict the effect of missense changes on protein structure and function (SIFT, PolyPhen-2, Align-GVGD) all suggest that this variant is likely to be tolerated, but these predictions have not been confirmed by published functional studies and their clinical significance is uncertain. This variant has not been reported in the literature in individuals with AK2-related conditions.